The following is an entry in ClinVar:

NM_017449.5(EPHB2):c.690G>A (p.Ala230=)

Gene: EPHB2 (EPH receptor B2; plus strand). Cytogenetic location: 1p36.12.
Variant type: single nucleotide variant.
Coding change: c.690G>A on transcript NM_017449.5 (MANE Select); coding-DNA position 690, G replaced by A.
Protein change: p.Ala230=; no amino-acid change (alanine 230 retained).
Molecular consequence: synonymous variant.
Genome position (GRCh38, 1-based): chr1:22,784,955, G>A. VCF-style: chr1-22784955-G-A. GRCh37 (hg19) VCF-style: chr1-23111448-G-A.
Other names: c.690G>A, p.Ala230= (NM_001309192.2, NM_001309193.2, NM_004442.7).
Identifiers: ClinVar variation 2638470 (VCV002638470.24), dbSNP rs374426229, ClinGen allele CA678421.

ClinVar aggregate classification (germline): Likely benign (1 of 4 stars; one submission).

Allele frequency attached by ClinVar (database versions not stated): ExAC 0.00004; gnomAD exomes 0.00004; gnomAD 0.00011; TOPMed 0.00012; ESP Exome Variant Server 0.00015.
gnomAD v4.1: 90 of 1,613,948 alleles (0.0056%); highest among the groups gnomAD compares: African/African-American, 0.041%; no homozygotes.

Submission:

CeGaT Center for Human Genetics Tuebingen
Classification: Likely benign. Last evaluated: 2022-06-01. Review status: criteria provided, single submitter. Criteria: CeGaT Center For Human Genetics Tuebingen Variant Classification Criteria Version 2. Collection method: clinical testing. Allele origin: germline. Affected: yes. Observed: 1 variant allele.
Comment: EPHB2: BP4, BP7